The following is an entry in ClinVar:

NM_000257.4(MYH7):c.4645-273T>C

Genes: MHRT (myosin heavy chain associated RNA transcript; plus strand), MYH7 (myosin heavy chain 7; minus strand). Cytogenetic location: 14q11.2.
Variant type: single nucleotide variant.
Coding change: c.4645-273T>C on transcript NM_000257.4 (MANE Select); 273 bases into the intron before coding-DNA position 4645, T replaced by C.
Molecular consequence: intron variant.
Genome position (GRCh38, 1-based): chr14:23,416,585, A>G on the plus strand (T>C on the coding strand, the complement: MYH7 is on the minus strand). VCF-style: chr14-23416585-A-G. GRCh37 (hg19) VCF-style: chr14-23885794-A-G.
Identifiers: ClinVar variation 680996 (VCV000680996.1), dbSNP rs146641667, ClinGen allele CA257811013.

ClinVar aggregate classification (germline): Likely benign (1 of 4 stars; one submission).

Allele frequency attached by ClinVar (database versions not stated): 1000 Genomes Project 0.00459; gnomAD 0.00522 and 0.00561; TOPMed 0.00587.
gnomAD v4.1: 788 of 152,316 alleles (0.52%); highest among the groups gnomAD compares: African/African-American, 1.8%; 12 homozygotes.

Submission:

GeneDx
Classification: Likely benign. Last evaluated: 2018-06-19. Review status: criteria provided, single submitter. Criteria: GeneDx Variant Classification (06012015). Collection method: clinical testing. Allele origin: germline. Affected: yes.
Comment: This variant is considered likely benign or benign based on one or more of the following criteria: it is a conservative change, it occurs at a poorly conserved position in the protein, it is predicted to be benign by multiple in silico algorithms, and/or has population frequency not consistent with disease.